The following is an entry in ClinVar:

ClinVar aggregate classification (germline): Uncertain significance. Review status: criteria provided, multiple submitters, no conflicts (2 of 4 stars). 3 submissions from 3 submitters: Uncertain significance (3). Last evaluated 2025-11-01.

Conditions:
Autosomal dominant limb-girdle muscular dystrophy type 1D (DNAJB6) (LGMDD1). Also called: Autosomal dominant limb-girdle muscular dystrophy type 1D; Muscular dystrophy, limb-girdle, autosomal dominant 1; MUSCULAR DYSTROPHY, AUTOSOMAL DOMINANT, WITH RIMMED VACUOLES; MUSCULAR DYSTROPHY, LIMB-GIRDLE, TYPE 1D. Identifiers: Orphanet 34516, MedGen C4721885, MONDO:0021018, OMIM 603511.

Allele frequency attached by ClinVar (database versions not stated): ExAC 0.00001; gnomAD exomes 0.00001; gnomAD 0.00003 and 0.00004; TOPMed 0.00003; ESP Exome Variant Server 0.00008.
gnomAD v4.1: 46 of 1,613,860 alleles (0.0029%); highest among the groups gnomAD compares: South Asian, 0.0044%; no homozygotes.

Submissions (3):

Labcorp Genetics (formerly Invitae), Labcorp
Classification: Uncertain significance for Autosomal dominant limb-girdle muscular dystrophy type 1D (DNAJB6). Last evaluated: 2025-11-01. Review status: criteria provided, single submitter. Criteria: Invitae Variant Classification Sherloc (09022015). Collection method: clinical testing. Allele origin: germline.
Comment: This sequence change replaces glycine, which is neutral and non-polar, with glutamic acid, which is acidic and polar, at codon 77 of the DNAJB6 protein (p.Gly77Glu). This variant is present in population databases (rs372973038, gnomAD 0.006%). This missense change has been observed in individual(s) with autosomal dominant limb-girdle muscular dystrophy (PMID: 29970176). ClinVar contains an entry for this variant (Variation ID: 910286). Invitae Evidence Modeling of protein sequence and biophysical properties (such as structural, functional, and spatial information, amino acid conservation, physicochemical variation, residue mobility, and thermodynamic stability) indicates that this missense variant is not expected to disrupt DNAJB6 protein function with a negative predictive value of 80%. In summary, the available evidence is currently insufficient to determine the role of this variant in disease. Therefore, it has been classified as a Variant of Uncertain Significance.

Blueprint Genetics
Classification: Uncertain significance. Last evaluated: 2024-10-24. Review status: criteria provided, single submitter. Criteria: ACMG Guidelines, 2015. Collection method: clinical testing. Allele origin: germline.

Illumina Laboratory Services, Illumina
Classification: Uncertain significance for Autosomal dominant limb-girdle muscular dystrophy type 1D (DNAJB6). Last evaluated: 2018-01-13. Review status: criteria provided, single submitter. Criteria: ICSL Variant Classification Criteria 13 December 2019. Collection method: clinical testing. Allele origin: germline.

Literature cited by the submitters: PubMed 29970176 (cited by Labcorp Genetics (formerly Invitae), Labcorp).

NM_058246.4(DNAJB6):c.230G>A (p.Gly77Glu)

Gene: DNAJB6 (DnaJ heat shock protein family (Hsp40) member B6; plus strand). Cytogenetic location: 7q36.3.
Variant type: single nucleotide variant.
Coding change: c.230G>A on transcript NM_058246.4 (MANE Select); coding-DNA position 230, G replaced by A.
Protein change: p.Gly77Glu; replaces glycine 77 with glutamic acid.
Molecular consequence: missense variant.
Genome position (GRCh38, 1-based): chr7:157,366,556, G>A. VCF-style: chr7-157366556-G-A. GRCh37 (hg19) VCF-style: chr7-157159250-G-A.
Other names: c.230G>A, p.Gly77Glu (NM_001363676.1, NM_005494.3); short protein forms G77E.
Identifiers: ClinVar variation 910286 (VCV000910286.11), dbSNP rs372973038, ClinGen allele CA4590412.
Genomic context (GRCh38, chr7:157,366,556, plus strand): 5'-TTTTAGCTAAGAAACGGGACATCTATGACAAATATGGCAAAGAAGGATTAAATGGTGGAG[G>A]AGGAGGTAAGTACGTGAGTTTTTTCTTTGAAGACAAAAGGTCTTGGCAAGTAAGTTGAGT-3'
Protein context (NP_490647.1, residues 67-87): KYGKEGLNGG[Gly77Glu]GGGSHFDSPF